The following is an entry in ClinVar:

ClinVar aggregate classification (germline): Likely benign (1 of 4 stars; one submission).

Allele frequency attached by ClinVar (database versions not stated): gnomAD exomes 0.00015; ExAC 0.00108; 1000 Genomes Project 30x 0.00453.

Submission:

CeGaT Center for Human Genetics Tuebingen
Classification: Likely benign. Last evaluated: 2022-11-01. Review status: criteria provided, single submitter. Criteria: CeGaT Center For Human Genetics Tuebingen Variant Classification Criteria Version 2. Collection method: clinical testing. Allele origin: germline. Affected: yes. Observed: 1 variant allele.
Comment: USP17L7: BS2

NM_001256869.2(USP17L7):c.145T>G (p.Phe49Val)

Genes: FAM66D (family with sequence similarity 66 member D), USP17L7 (ubiquitin specific peptidase 17 like family member 7; minus strand). Cytogenetic location: 8p23.1.
Variant type: single nucleotide variant.
Coding change: c.145T>G on transcript NM_001256869.2 (MANE Select); coding-DNA position 145, T replaced by G.
Protein change: p.Phe49Val; replaces phenylalanine 49 with valine.
Molecular consequence: missense variant.
Genome position (GRCh38, 1-based): chr8:12,133,865, A>C on the plus strand (T>G on the coding strand, the complement: USP17L7 is on the minus strand). VCF-style: chr8-12133865-A-C. GRCh37 (hg19) VCF-style: chr8-11991374-A-C.
Other names: short protein forms F49V.
Identifiers: ClinVar variation 2658420 (VCV002658420.24), dbSNP rs748545592, ClinGen allele CA4634592.